The following is an entry in ClinVar:

ClinVar aggregate classification (germline): Uncertain significance. Review status: criteria provided, single submitter (1 of 4 stars). 2 submissions from 2 submitters: Uncertain significance (1). 1 of the submissions does not count toward it. Last evaluated 2022-06-13.

Conditions:
Cardiomyopathy (CMYO). Also called: Cardiomyopathies. Identifiers: Orphanet 167848, MedGen C0878544, MONDO:0004994, HP:0001638. Inheritance: Various modes of inheritance.
Duchenne muscular dystrophy (DMD). Also called: MUSCULAR DYSTROPHY, PSEUDOHYPERTROPHIC PROGRESSIVE, DUCHENNE TYPE; Duchenne Muscular Dystrophy (DMD). Identifiers: Orphanet 98896, MedGen C0013264, MONDO:0010679, OMIM 310200.
Becker muscular dystrophy (BMD). Also called: MUSCULAR DYSTROPHY, PSEUDOHYPERTROPHIC PROGRESSIVE, BECKER TYPE; Becker Muscular Dystrophy (BMD). Identifiers: Orphanet 98895, MedGen C0917713, MONDO:0010311, OMIM 300376.
Dystrophin deficiency.

Allele frequency attached by ClinVar (database versions not stated): ExAC 0.00001; gnomAD 0.00001; gnomAD exomes 0.00001; TOPMed 0.00002; ESP Exome Variant Server 0.00009.
gnomAD v4.1: 1 of 1,204,523 alleles (0.000083%); highest among the groups gnomAD compares: African/African-American, 0.0018%; no homozygotes.

Submissions (2):

Labcorp Genetics (formerly Invitae), Labcorp
Classification: Uncertain significance for Duchenne muscular dystrophy. Last evaluated: 2022-06-13. Review status: criteria provided, single submitter. Criteria: Invitae Variant Classification Sherloc (09022015). Collection method: clinical testing. Allele origin: germline.
Comment: This variant is present in population databases (rs371273141, gnomAD 0.008%). This variant has not been reported in the literature in individuals affected with DMD-related conditions. ClinVar contains an entry for this variant (Variation ID: 650474). Algorithms developed to predict the effect of missense changes on protein structure and function are either unavailable or do not agree on the potential impact of this missense change (SIFT: "Tolerated"; PolyPhen-2: "Probably Damaging"; Align-GVGD: "Class C0"). In summary, the available evidence is currently insufficient to determine the role of this variant in disease. Therefore, it has been classified as a Variant of Uncertain Significance. This sequence change replaces serine, which is neutral and polar, with asparagine, which is neutral and polar, at codon 1161 of the DMD protein (p.Ser1161Asn).

Natera, Inc.
Classification: Uncertain significance for Becker muscular dystrophy; Cardiomyopathy; Duchenne muscular dystrophy; Dystrophin deficiency. Last evaluated: 2020-03-31. Review status: no assertion criteria provided. Collection method: clinical testing. Allele origin: germline. Not counted in ClinVar's aggregate classification.

NM_004006.3(DMD):c.3482G>A (p.Ser1161Asn)

Gene: DMD (dystrophin; minus strand). Cytogenetic location: Xp21.1.
Variant type: single nucleotide variant.
Coding change: c.3482G>A on transcript NM_004006.3 (MANE Select); coding-DNA position 3482, G replaced by A.
Protein change: p.Ser1161Asn; replaces serine 1161 with asparagine.
Molecular consequence: missense variant.
Genome position (GRCh38, 1-based): chrX:32,454,783, C>T on the plus strand (G>A on the coding strand, the complement: DMD is on the minus strand). VCF-style: chrX-32454783-C-T. GRCh37 (hg19) VCF-style: chrX-32472900-C-T.
Other names: c.3458G>A, p.Ser1153Asn (NM_000109.4); c.3470G>A, p.Ser1157Asn (NM_004009.3); c.3113G>A, p.Ser1038Asn (NM_004010.3); short protein forms S1157N, S1161N, S1153N, S1038N.
Identifiers: ClinVar variation 650474 (VCV000650474.10), dbSNP rs371273141, ClinGen allele CA10379257.